The following is an entry in ClinVar:

NM_001283009.2(RTEL1):c.2441G>A (p.Ser814Asn)

Genes: RTEL1 (regulator of telomere elongation helicase 1; plus strand), RTEL1-TNFRSF6B (RTEL1-TNFRSF6B readthrough (NMD candidate); plus strand). Cytogenetic location: 20q13.33.
Variant type: single nucleotide variant.
Coding change: c.2441G>A on transcript NM_001283009.2 (MANE Select); coding-DNA position 2441, G replaced by A.
Protein change: p.Ser814Asn; replaces serine 814 with asparagine.
Molecular consequence: missense variant. On other transcripts: non-coding transcript variant (1).
Genome position (GRCh38, 1-based): chr20:63,690,832, G>A. VCF-style: chr20-63690832-G-A. GRCh37 (hg19) VCF-style: chr20-62322185-G-A.
Other names: c.1772G>A, p.Ser591Asn (NM_001283010.1); c.2441G>A, p.Ser814Asn (NM_016434.4); c.2513G>A, p.Ser838Asn (NM_032957.5); short protein forms S591N, S814N, S838N.
Identifiers: ClinVar variation 3752701 (VCV003752701.3).

ClinVar aggregate classification (germline): Uncertain significance. Review status: criteria provided, multiple submitters, no conflicts (2 of 4 stars). 2 submissions from 2 submitters: Uncertain significance (2). Last evaluated 2025-01-23.

Conditions:
Pulmonary fibrosis and/or bone marrow failure, Telomere-related, 3. Also called: PULMONARY FIBROSIS AND/OR BONE MARROW FAILURE SYNDROME, TELOMERE-RELATED, 3. Identifiers: Orphanet 2032, MedGen C4225346, MONDO:0014613, OMIM 616373.
Dyskeratosis congenita, autosomal recessive 5 (DKCB5). Identifiers: MedGen C3554656, MONDO:0014076, OMIM 615190.
Inborn genetic diseases. Identifiers: MedGen C0950123, MeSH D030342.

gnomAD v4.1: 2 of 1,605,324 alleles (0.00012%); highest among the groups gnomAD compares: Non-Finnish European, 0.00017%; no homozygotes.

Submissions (2):

Ambry Genetics
Classification: Uncertain significance for Inborn genetic diseases. Last evaluated: 2025-01-23. Review status: criteria provided, single submitter. Criteria: Ambry Variant Classification Scheme 2023. Collection method: clinical testing. Allele origin: germline.
Comment: The p.S814N variant (also known as c.2441G>A), located in coding exon 26 of the RTEL1 gene, results from a G to A substitution at nucleotide position 2441. The serine at codon 814 is replaced by asparagine, an amino acid with highly similar properties. This amino acid position is conserved. In addition, this alteration is predicted to be tolerated by in silico analysis. Based on the available evidence, the clinical significance of this variant remains unclear.

Labcorp Genetics (formerly Invitae), Labcorp
Classification: Uncertain significance for Dyskeratosis congenita, autosomal recessive 5; Pulmonary fibrosis and/or bone marrow failure, Telomere-related, 3. Last evaluated: 2024-07-26. Review status: criteria provided, single submitter. Criteria: Invitae Variant Classification Sherloc (09022015). Collection method: clinical testing. Allele origin: germline.
Comment: This sequence change replaces serine, which is neutral and polar, with asparagine, which is neutral and polar, at codon 814 of the RTEL1 protein (p.Ser814Asn). This variant is not present in population databases (gnomAD no frequency). This variant has not been reported in the literature in individuals affected with RTEL1-related conditions. An algorithm developed to predict the effect of missense changes on protein structure and function (PolyPhen-2) suggests that this variant is likely to be tolerated. In summary, the available evidence is currently insufficient to determine the role of this variant in disease. Therefore, it has been classified as a Variant of Uncertain Significance.